The following is an entry in ClinVar:

NM_003244.4(TGIF1):c.272G>A (p.Arg91His)

Gene: TGIF1 (TGFB induced factor homeobox 1; plus strand). Cytogenetic location: 18p11.31.
Variant type: single nucleotide variant.
Coding change: c.272G>A on transcript NM_003244.4 (MANE Select); coding-DNA position 272, G replaced by A.
Protein change: p.Arg91His; replaces arginine 91 with histidine.
Molecular consequence: missense variant.
Genome position (GRCh38, 1-based): chr18:3,457,393, G>A. VCF-style: chr18-3457393-G-A. GRCh37 (hg19) VCF-style: chr18-3457391-G-A.
Other names: c.272G>A (NM_003244.3); c.281G>A, p.Arg94His (NM_001278682.2); c.272G>A, p.Arg91His (NM_001278684.2, NM_173208.3); c.212G>A, p.Arg71His (NM_001278686.3, NM_001374396.1, NM_001374397.1 and 5 more transcripts); c.314G>A, p.Arg105His (NM_173207.4); short protein forms R91H, R71H, R105H, R94H.
Identifiers: ClinVar variation 449189 (VCV000449189.6), dbSNP rs921452393, ClinGen allele CA295566973.

ClinVar aggregate classification (germline): Uncertain significance. Review status: criteria provided, multiple submitters, no conflicts (2 of 4 stars). 2 submissions from 2 submitters: Uncertain significance (2). Last evaluated 2025-07-30.

Conditions:
TGIF1-related disorder. Also called: TGIF1-related condition.

Allele frequency attached by ClinVar (database versions not stated): gnomAD exomes below 0.00001; TOPMed below 0.00001; gnomAD 0.00001.
gnomAD v4.1: 2 of 1,614,076 alleles (0.00012%); highest among the groups gnomAD compares: East Asian, 0.0022%; no homozygotes.

Submissions (2):

PreventionGenetics, part of Exact Sciences
Classification: Uncertain significance for TGIF1-related condition. Last evaluated: 2025-07-30. Review status: criteria provided, single submitter. Criteria: ACMG Guidelines, 2015. Collection method: clinical testing. Allele origin: germline.
Comment: The TGIF1 c.272G>A variant is predicted to result in the amino acid substitution p.Arg91His. This variant has been reported in an individual with holoprosencephaly (Mercier et al 2011. PubMed ID: 21940735). This variant is reported in 0.0054% of alleles in individuals of East Asian descent in gnomAD. An alternative missense substitution affecting the same amino acid (p.Arg91Cys) has been reported as paternally inherited in an individual with holoprosencephaly (Keaton et al. 2010. PubMed ID: 22125506). At this time, the clinical significance of the c.272G>A (p.Arg91His) variant is uncertain due to the absence of conclusive functional and genetic evidence.

GeneDx
Classification: Uncertain significance. Last evaluated: 2020-11-24. Review status: criteria provided, single submitter. Criteria: GeneDx Variant Classification Process June 2021. Collection method: clinical testing. Allele origin: germline. Affected: yes.
Comment: Not observed at a significant frequency in large population cohorts (Lek et al., 2016); In silico analysis supports that this missense variant has a deleterious effect on protein structure/function; A missense variant in a nearby residue (R90C) and a different missense change at this residue (R91C) reported in the Human Gene Mutation Database in association with holoprosencephaly (Stenson et al., 2014); Located in the homeobox DNA-binding region; This variant is associated with the following publications: (PMID: 21940735)